The following is an entry in ClinVar:

NM_001374353.1(GLI2):c.3881G>C (p.Gly1294Ala)

Gene: GLI2 (GLI family zinc finger 2; plus strand). Cytogenetic location: 2q14.2.
Variant type: single nucleotide variant.
Coding change: c.3881G>C on transcript NM_001374353.1 (MANE Select); coding-DNA position 3881, G replaced by C.
Protein change: p.Gly1294Ala; replaces glycine 1294 with alanine.
Molecular consequence: missense variant.
Genome position (GRCh38, 1-based): chr2:120,989,846, G>C. VCF-style: chr2-120989846-G-C. GRCh37 (hg19) VCF-style: chr2-121747422-G-C.
Other names: c.3932G>C, p.Gly1311Ala (NM_001371271.1, NM_005270.5); c.3506G>C, p.Gly1169Ala (NM_001374354.1); c.3932G>C (NM_005270.4); short protein forms G1169A, G1294A, G1311A.
Identifiers: ClinVar variation 3629672 (VCV003629672.3).

ClinVar aggregate classification (germline): Conflicting classifications of pathogenicity. Review status: criteria provided, conflicting classifications (1 of 4 stars). 3 submissions from 3 submitters: Uncertain significance (2); Likely benign (1). Last evaluated 2025-07-25.

Conditions:
Weaver syndrome (WVS). Also called: Weaver Smith syndrome; Overgrowth syndrome with accelerated skeletal maturation, unusual facies, and camptodactyly. Identifiers: Orphanet 3447, MedGen C0265210, MONDO:0010193, OMIM 277590.
GLI2-related disorder. Also called: GLI2-related disorders; GLI2-related condition.

gnomAD v4.1: 112 of 1,612,638 alleles (0.0069%); highest among the groups gnomAD compares: African/African-American, 0.019%; no homozygotes.

Submissions (3):

PreventionGenetics, part of Exact Sciences
Classification: Uncertain significance for GLI2-related condition. Last evaluated: 2025-07-25. Review status: criteria provided, single submitter. Criteria: ACMG Guidelines, 2015. Collection method: clinical testing. Allele origin: germline.
Comment: The GLI2 c.3932G>C variant is predicted to result in the amino acid substitution p.Gly1311Ala. To our knowledge, this variant has not been reported in the literature. This variant is reported in 0.037% of alleles in individuals of African descent in gnomAD. Although we suspect that this variant may be benign, at this time, the clinical significance of this variant is uncertain due to the absence of conclusive functional and genetic evidence.

Women's Health and Genetics/Laboratory Corporation of America, LabCorp
Classification: Uncertain significance. Last evaluated: 2024-11-13. Review status: criteria provided, single submitter. Criteria: LabCorp Variant Classification Summary - May 2015. Collection method: clinical testing. Allele origin: germline.
Comment: Variant summary: GLI2 c.3932G>C (p.Gly1311Ala) results in a non-conservative amino acid change in the encoded protein sequence. Four of five in-silico tools predict a benign effect of the variant on protein function. The variant allele was found at a frequency of 2.8e-05 in 248022 control chromosomes. The available data on variant occurrences in the general population are insufficient to allow any conclusion about variant significance. To our knowledge, no occurrence of c.3932G>C in individuals affected with GLI2-Related Disorders and no experimental evidence demonstrating its impact on protein function have been reported. No submitters have cited clinical-significance assessments for this variant to ClinVar. Based on the evidence outlined above, the variant was classified as uncertain significance.

Cambridge Genomics Laboratory, East Genomic Laboratory Hub, NHS Genomic Medicine Service
Classification: Likely benign for Weaver syndrome. Last evaluated: 2020-03-04. Review status: criteria provided, single submitter. Criteria: ACGS Best Practice Guidelines for Variant Classification in Rare Disease 2020. Collection method: clinical testing. Allele origin: germline. Affected: yes. Observed: 1 variant allele.